The following is an entry in ClinVar:

NM_001009999.3(KDM1A):c.364G>C (p.Glu122Gln)

Gene: KDM1A (lysine demethylase 1A; plus strand). Cytogenetic location: 1p36.12.
Variant type: single nucleotide variant.
Coding change: c.364G>C on transcript NM_001009999.3 (MANE Select); coding-DNA position 364, G replaced by C.
Protein change: p.Glu122Gln; replaces glutamic acid 122 with glutamine.
Molecular consequence: missense variant.
Genome position (GRCh38, 1-based): chr1:23,030,481, G>C. VCF-style: chr1-23030481-G-C. GRCh37 (hg19) VCF-style: chr1-23356974-G-C.
Other names: c.364G>C, p.Glu122Gln (NM_001363654.2, NM_001410762.1, NM_001410763.1 and 1 more transcripts); short protein forms E122Q.
Identifiers: ClinVar variation 3863356 (VCV003863356.1).

ClinVar aggregate classification (germline): Uncertain significance (1 of 4 stars; one submission).

Conditions:
Inborn genetic diseases. Identifiers: MedGen C0950123, MeSH D030342.

Submission:

Ambry Genetics
Classification: Uncertain significance for Inborn genetic diseases. Last evaluated: 2025-03-01. Review status: criteria provided, single submitter. Criteria: Ambry Variant Classification Scheme 2023. Collection method: clinical testing. Allele origin: germline.
Comment: The p.E122Q variant (also known as c.364G>C), located in coding exon 2 of the KDM1A gene, results from a G to C substitution at nucleotide position 364. The glutamic acid at codon 122 is replaced by glutamine, an amino acid with highly similar properties. This amino acid position is conserved. In addition, this alteration is predicted to be tolerated by in silico analysis. Based on the available evidence, the clinical significance of this variant remains unclear.